The following is an entry in ClinVar:

NM_000719.7(CACNA1C):c.1343A>C (p.Asp448Ala)

Gene: CACNA1C (calcium voltage-gated channel subunit alpha1 C; plus strand). Cytogenetic location: 12p13.33.
Variant type: single nucleotide variant.
Coding change: c.1343A>C on transcript NM_000719.7 (MANE Select); coding-DNA position 1343, A replaced by C.
Protein change: p.Asp448Ala; replaces aspartic acid 448 with alanine.
Molecular consequence: missense variant.
Genome position (GRCh38, 1-based): chr12:2,512,937, A>C. VCF-style: chr12-2512937-A-C. GRCh37 (hg19) VCF-style: chr12-2622103-A-C.
Other names: c.1343A>C, p.Asp448Ala (NM_001129827.2, NM_001129829.2, NM_001129830.3 and 18 more transcripts); c.1334A>C, p.Asp445Ala (NM_001129844.2); short protein forms D445A, D448A.
Identifiers: ClinVar variation 1015494 (VCV001015494.9), dbSNP rs2099787973, ClinGen allele CA16622107.

ClinVar aggregate classification (germline): Uncertain significance (1 of 4 stars; one submission).

Conditions:
Long QT syndrome (LQTS). Identifiers: MedGen C0023976, MeSH D008133, MONDO:0002442. Disease mechanism: loss of function. Inheritance: Various modes of inheritance.

Allele frequency attached by ClinVar (database versions not stated): gnomAD exomes 0.00001.
gnomAD v4.1: 6 of 1,611,510 alleles (0.00037%); highest among the groups gnomAD compares: Non-Finnish European, 0.00042%; no homozygotes.

Submission:

Labcorp Genetics (formerly Invitae), Labcorp
Classification: Uncertain significance for Long QT syndrome. Last evaluated: 2022-03-18. Review status: criteria provided, single submitter. Criteria: Invitae Variant Classification Sherloc (09022015). Collection method: clinical testing. Allele origin: germline.
Comment: In summary, the available evidence is currently insufficient to determine the role of this variant in disease. Therefore, it has been classified as a Variant of Uncertain Significance. Algorithms developed to predict the effect of missense changes on protein structure and function are either unavailable or do not agree on the potential impact of this missense change (SIFT: "Deleterious"; PolyPhen-2: "Probably Damaging"; Align-GVGD: "Class C0"). ClinVar contains an entry for this variant (Variation ID: 1015494). This variant has not been reported in the literature in individuals affected with CACNA1C-related conditions. This variant is not present in population databases (gnomAD no frequency). This sequence change replaces aspartic acid, which is acidic and polar, with alanine, which is neutral and non-polar, at codon 448 of the CACNA1C protein (p.Asp448Ala).